The following is an entry in ClinVar:

NM_138713.4(NFAT5):c.1576G>A (p.Val526Ile)

Gene: NFAT5 (nuclear factor of activated T cells 5; plus strand). Cytogenetic location: 16q22.1.
Variant type: single nucleotide variant.
Coding change: c.1576G>A on transcript NM_138713.4 (MANE Select); coding-DNA position 1576, G replaced by A.
Protein change: p.Val526Ile; replaces valine 526 with isoleucine.
Molecular consequence: missense variant.
Genome position (GRCh38, 1-based): chr16:69,677,221, G>A. VCF-style: chr16-69677221-G-A. GRCh37 (hg19) VCF-style: chr16-69711124-G-A.
Other names: c.1576G>A, p.Val526Ile (NM_001113178.3); c.904G>A, p.Val302Ile (NM_001367709.1); c.1522G>A, p.Val508Ile (NM_006599.4); c.1294G>A, p.Val432Ile (NM_138714.4, NM_173214.3, NM_173215.3); short protein forms V302I, V432I, V526I, V508I.
Identifiers: ClinVar variation 2111091 (VCV002111091.4), dbSNP rs2544131016, ClinGen allele CA396498932.

ClinVar aggregate classification (germline): Uncertain significance (1 of 4 stars; one submission).

Conditions:
Immunodeficiency. Identifiers: MedGen C0021051, MONDO:0021094, HP:0002721.

Allele frequency attached by ClinVar (database versions not stated): gnomAD exomes below 0.00001.
gnomAD v4.1: 2 of 1,606,652 alleles (0.00012%); highest among the groups gnomAD compares: East Asian, 0.0045%; no homozygotes.

Submission:

Labcorp Genetics (formerly Invitae), Labcorp
Classification: Uncertain significance for Immunodeficiency. Last evaluated: 2022-03-13. Review status: criteria provided, single submitter. Criteria: Invitae Variant Classification Sherloc (09022015). Collection method: clinical testing. Allele origin: germline.
Comment: This variant is not present in population databases (gnomAD no frequency). This sequence change replaces valine, which is neutral and non-polar, with isoleucine, which is neutral and non-polar, at codon 432 of the NFAT5 protein (p.Val432Ile). This variant has not been reported in the literature in individuals affected with NFAT5-related conditions. Algorithms developed to predict the effect of missense changes on protein structure and function (SIFT, PolyPhen-2, Align-GVGD) all suggest that this variant is likely to be disruptive. In summary, the available evidence is currently insufficient to determine the role of this variant in disease. Therefore, it has been classified as a Variant of Uncertain Significance.